The following is an entry in ClinVar:

NM_001009944.3(PKD1):c.8791G>A (p.Gly2931Ser)

Gene: PKD1 (polycystin 1, transient receptor potential channel interacting; minus strand). Cytogenetic location: 16p13.3.
Variant type: single nucleotide variant.
Coding change: c.8791G>A on transcript NM_001009944.3 (MANE Select); coding-DNA position 8791, G replaced by A.
Protein change: p.Gly2931Ser; replaces glycine 2931 with serine.
Molecular consequence: missense variant.
Genome position (GRCh38, 1-based): chr16:2,103,266, C>T on the plus strand (G>A on the coding strand, the complement: PKD1 is on the minus strand). VCF-style: chr16-2103266-C-T. GRCh37 (hg19) VCF-style: chr16-2153267-C-T.
Other names: c.8791G>A, p.Gly2931Ser (NM_000296.4); short protein forms G2931S.
Identifiers: ClinVar variation 1806019 (VCV001806019.7), dbSNP rs142733588, ClinGen allele CA7830386.

ClinVar aggregate classification (germline): Likely benign. Review status: criteria provided, multiple submitters, no conflicts (2 of 4 stars). 4 submissions from 4 submitters: Likely benign (4). Last evaluated 2025-09-23.

Conditions:
PKD1-related disorder. Also called: PKD1-related condition.
Polycystic kidney disease, adult type (PKD1). Also called: POLYCYSTIC KIDNEY DISEASE, ADULT, TYPE I; Polycystic Kidney, Autosomal Dominant; Polycystic Kidney Disease 1, Autosomal Dominant; Polycystic kidney disease 1; Polycystic kidney disease 1, severe; POLYCYSTIC KIDNEY DISEASE 1 WITH OR WITHOUT POLYCYSTIC LIVER DISEASE. Identifiers: MedGen C3149841, MONDO:0008263, OMIM 173900.

Allele frequency attached by ClinVar (database versions not stated): gnomAD 0.00005; TOPMed 0.00008; gnomAD exomes 0.00009; ExAC 0.00014; ESP Exome Variant Server 0.00016.
gnomAD v4.1: 147 of 1,609,522 alleles (0.0091%); highest among the groups gnomAD compares: Middle Eastern, 0.045%; no homozygotes.

Submissions (4):

PreventionGenetics, part of Exact Sciences
Classification: Likely benign for PKD1-related condition. Last evaluated: 2025-09-23. Review status: criteria provided, single submitter. Criteria: ACMG Guidelines, 2015. Collection method: clinical testing. Allele origin: germline.
Comment: This variant is classified as likely benign based on ACMG/AMP sequence variant interpretation guidelines (Richards et al. 2015 PMID: 25741868, with internal and published modifications).

Victorian Clinical Genetics Services, Murdoch Childrens Research Institute
Classification: Likely benign for Polycystic kidney disease, adult type. Last evaluated: 2025-08-07. Review status: criteria provided, single submitter. Criteria: ACMG Guidelines, 2015. Collection method: clinical testing. Allele origin: germline. Affected: yes.
Comment: This variant is classified as Likely benign. Evidence in support of pathogenic classification: Variant is present in gnomAD <0.001 for a dominant condition (v4: 147 heterozygote(s), 0 homozygote(s)). Evidence in support of benign classification: Missense variant predicted to be tolerated by in silico tool(s) or not conserved in placental mammals with a minor amino acid change. Additional information: Variant is predicted to result in a missense amino acid change from Gly to Ser. This variant affects the last nucleotide of exon 23, and therefore may impact splicing; This variant is heterozygous; This gene is associated with autosomal dominant disease. Polycystic kidney disease 1 (MIM#173900) is predominantly caused by monoallelic variants, with rare reports of biallelic variants causing disease (OMIM); Previous reports of pathogenicity for this variant are conflicting. This variant has been classified as likely benign and as a VUS by clinical laboratories in ClinVar. No published evidence of segregation with disease has been identified for this variant; No published functional evidence has been identified for this variant; No comparable variants have previous evidence for pathogenicity; Variant is not located in an established domain, motif, hotspot or informative constraint region; In silico prediction for abnormal splicing is inconclusive and affected nucleotide is highly conserved; Loss of function is a known mechanism of disease in this gene and is associated with polycystic kidney disease 1 (MIM#173900); Inheritance information for this variant is not currently available in this individual.

Blueprint Genetics
Classification: Likely benign. Last evaluated: 2024-10-03. Review status: criteria provided, single submitter. Criteria: ACMG Guidelines, 2015. Collection method: clinical testing. Allele origin: germline.

Fulgent Genetics
Classification: Likely benign for Polycystic kidney disease, adult type. Last evaluated: 2024-03-08. Review status: criteria provided, single submitter. Criteria: ACMG Guidelines, 2015. Collection method: clinical testing. Allele origin: germline.